The following is an entry in ClinVar:

ClinVar aggregate classification (germline): Likely benign. Review status: criteria provided, multiple submitters, no conflicts (2 of 4 stars). 4 submissions from 4 submitters: Likely benign (2). 2 of the submissions do not count toward it. Last evaluated 2026-01-26.

Conditions:
PEX10-related disorder. Also called: PEX10-related condition.
Zellweger spectrum disorders (ZS). Also called: Zellweger Spectrum Disorder; Zellweger Spectrum; Zellweger Spectrum Disorder (ZSD); Zellweger syndrome. Identifiers: Orphanet 912, MedGen C0043459, MONDO:0019609.
Peroxisome biogenesis disorder, complementation group 7 (CG7). Also called: Peroxisome biogenesis disorder, complementation group B. Identifiers: MedGen C1864399.

Allele frequency attached by ClinVar (database versions not stated): gnomAD 0.00001 and 0.00003; TOPMed 0.00003; gnomAD exomes 0.00005 and 0.00011; ExAC 0.00014; 1000 Genomes Project 30x 0.00031; 1000 Genomes Project 0.00040.
gnomAD v4.1: 80 of 1,608,904 alleles (0.005%); highest among the groups gnomAD compares: South Asian, 0.046%; no homozygotes.

Submissions (4):

Labcorp Genetics (formerly Invitae), Labcorp
Classification: Likely benign for Peroxisome biogenesis disorder, complementation group 7. Last evaluated: 2026-01-26. Review status: criteria provided, single submitter. Criteria: Invitae Variant Classification Sherloc (09022015). Collection method: clinical testing. Allele origin: germline.

Blueprint Genetics
Classification: Likely benign. Last evaluated: 2023-01-04. Review status: criteria provided, single submitter. Criteria: ACMG Guidelines, 2015. Collection method: clinical testing. Allele origin: germline.

PreventionGenetics, part of Exact Sciences
Classification: Likely benign for PEX10-related condition. Last evaluated: 2023-10-26. Review status: no assertion criteria provided. Collection method: clinical testing. Allele origin: germline. Not counted in ClinVar's aggregate classification.
Comment: This variant is classified as likely benign based on ACMG/AMP sequence variant interpretation guidelines (Richards et al. 2015 PMID: 25741868, with internal and published modifications).

Natera, Inc.
Classification: Uncertain significance for Zellweger syndrome. Last evaluated: 2020-03-17. Review status: no assertion criteria provided. Collection method: clinical testing. Allele origin: germline. Not counted in ClinVar's aggregate classification.

NM_002617.4(PEX10):c.776+9G>A

Gene: PEX10 (peroxisomal biogenesis factor 10; minus strand). Cytogenetic location: 1p36.32.
Variant type: single nucleotide variant.
Coding change: c.776+9G>A on transcript NM_002617.4 (MANE Select); 9 bases into the intron after coding-DNA position 776, G replaced by A.
Molecular consequence: intron variant.
Genome position (GRCh38, 1-based): chr1:2,406,711, C>T on the plus strand (G>A on the coding strand, the complement: PEX10 is on the minus strand). VCF-style: chr1-2406711-C-T. GRCh37 (hg19) VCF-style: chr1-2338150-C-T.
Other names: c.344+9G>A (NM_001374427.1); c.401+9G>A (NM_001374426.1); c.833+9G>A (NM_001374425.1); c.836+9G>A (NM_153818.2).
Identifiers: ClinVar variation 763313 (VCV000763313.14), dbSNP rs528387404, ClinGen allele CA538034.